The following is an entry in ClinVar:

ClinVar aggregate classification (germline): Uncertain significance. Review status: criteria provided, multiple submitters, no conflicts (2 of 4 stars). 3 submissions from 3 submitters: Uncertain significance (2). 1 of the submissions does not count toward it. Last evaluated 2026-03-31.

Conditions:
Dyskeratosis congenita. Identifiers: Orphanet 1775, MedGen C0265965, MONDO:0015780.
Dyskeratosis congenita, autosomal dominant 2. Identifiers: MedGen C3151443, MONDO:0013521, OMIM 613989.
Idiopathic Pulmonary Fibrosis. Also called: Idiopathic fibrosing alveolitis, chronic form; idiopathic fibrosing alveolitis. Identifiers: Orphanet 2032, MedGen C1800706, MeSH D054990, MONDO:0800504.

Allele frequency attached by ClinVar (database versions not stated): gnomAD 0.00001; ESP Exome Variant Server 0.00008; gnomAD exomes below 0.00001; TOPMed 0.00001.
gnomAD v4.1: 2 of 1,613,350 alleles (0.00012%); highest among the groups gnomAD compares: East Asian, 0.0022%; no homozygotes.

Submissions (3):

Ambry Genetics
Classification: Uncertain significance for Dyskeratosis congenita. Last evaluated: 2026-03-31. Review status: criteria provided, single submitter. Criteria: Ambry Variant Classification Scheme 2023. Collection method: clinical testing. Allele origin: germline.
Comment: The p.R599Q variant (also known as c.1796G>A), located in coding exon 4 of the TERT gene, results from a G to A substitution at nucleotide position 1796. The arginine at codon 599 is replaced by glutamine, an amino acid with highly similar properties. This variant was reported in individual(s) with features consistent with TERT-related disorder (Stanley SE et al. J Clin Invest, 2015 Feb;125:563-70). This variant was detected in at least one individual with telomere length <1st percentile (He C et al. Mol Genet Genomic Med, 2019 Jul;7:e00709). This amino acid position is well conserved in available vertebrate species. In addition, the in silico prediction for this alteration is inconclusive. Based on the available evidence, the clinical significance of this variant remains unclear.

Labcorp Genetics (formerly Invitae), Labcorp
Classification: Uncertain significance for Dyskeratosis congenita, autosomal dominant 2; Idiopathic Pulmonary Fibrosis. Last evaluated: 2025-07-26. Review status: criteria provided, single submitter. Criteria: Invitae Variant Classification Sherloc (09022015). Collection method: clinical testing. Allele origin: germline.
Comment: This sequence change replaces arginine, which is basic and polar, with glutamine, which is neutral and polar, at codon 599 of the TERT protein (p.Arg599Gln). This variant is not present in population databases (gnomAD no frequency). This missense change has been observed in individual(s) with clinical features of dyskeratosis congenita and/or emphysema (PMID: 25562321, 31119896). ClinVar contains an entry for this variant (Variation ID: 635412). Invitae Evidence Modeling of protein sequence and biophysical properties (such as structural, functional, and spatial information, amino acid conservation, physicochemical variation, residue mobility, and thermodynamic stability) indicates that this missense variant is not expected to disrupt TERT protein function with a negative predictive value of 95%. Experimental studies have shown that this missense change affects TERT function (PMID: 25562321). In summary, the available evidence is currently insufficient to determine the role of this variant in disease. Therefore, it has been classified as a Variant of Uncertain Significance.

Stem Cell Engineering Center, Hunan Guangxiu Hospital
Classification: Pathogenic for Dyskeratosis congenita. Last evaluated: 2018-10-08. Review status: no assertion criteria provided. Collection method: research. Allele origin: germline. Affected: yes. Observed: 4 variant alleles. Not counted in ClinVar's aggregate classification.

Literature cited by the submitters: PubMed 25562321 (cited by Ambry Genetics and Labcorp Genetics (formerly Invitae), Labcorp); PubMed 31119896 (cited by 3 submitters).

NM_198253.3(TERT):c.1796G>A (p.Arg599Gln)

Gene: TERT (telomerase reverse transcriptase; minus strand). Cytogenetic location: 5p15.33.
Variant type: single nucleotide variant.
Coding change: c.1796G>A on transcript NM_198253.3 (MANE Select); coding-DNA position 1796, G replaced by A.
Protein change: p.Arg599Gln; replaces arginine 599 with glutamine.
Molecular consequence: missense variant. On other transcripts: non-coding transcript variant (2).
Genome position (GRCh38, 1-based): chr5:1,280,312, C>T on the plus strand (G>A on the coding strand, the complement: TERT is on the minus strand). VCF-style: chr5-1280312-C-T. GRCh37 (hg19) VCF-style: chr5-1280427-C-T.
Other names: c.1796G>A, p.Arg599Gln (NM_001193376.3); short protein forms R599Q.
Identifiers: ClinVar variation 635412 (VCV000635412.8), dbSNP rs372511089, ClinGen allele CA112950399.